The following is an entry in ClinVar:

NM_153676.4(USH1C):c.885G>T (p.Glu295Asp)

Gene: USH1C (USH1 protein network component harmonin; minus strand). Cytogenetic location: 11p15.1.
Variant type: single nucleotide variant.
Coding change: c.885G>T on transcript NM_153676.4 (MANE Select); coding-DNA position 885, G replaced by T.
Protein change: p.Glu295Asp; replaces glutamic acid 295 with aspartic acid.
Molecular consequence: missense variant. On other transcripts: non-coding transcript variant (1).
Genome position (GRCh38, 1-based): chr11:17,522,918, C>A on the plus strand (G>T on the coding strand, the complement: USH1C is on the minus strand). VCF-style: chr11-17522918-C-A. GRCh37 (hg19) VCF-style: chr11-17544465-C-A.
Other names: c.828G>T, p.Glu276Asp (NM_001297764.2); c.885G>T, p.Glu295Asp (NM_005709.4); short protein forms E276D, E295D.
Identifiers: ClinVar variation 2157819 (VCV002157819.1), dbSNP rs2497156515, ClinGen allele CA379788530.

ClinVar aggregate classification (germline): Uncertain significance (1 of 4 stars; one submission).

Allele frequency attached by ClinVar (database versions not stated): gnomAD exomes below 0.00001.
gnomAD v4.1: 1 of 1,611,498 alleles (0.000062%); highest among the groups gnomAD compares: Admixed American, 0.0017%; no homozygotes.

Submission:

Labcorp Genetics (formerly Invitae), Labcorp
Classification: Uncertain significance. Last evaluated: 2022-03-22. Review status: criteria provided, single submitter. Criteria: Invitae Variant Classification Sherloc (09022015). Collection method: clinical testing. Allele origin: germline.
Comment: This sequence change replaces glutamic acid, which is acidic and polar, with aspartic acid, which is acidic and polar, at codon 295 of the USH1C protein (p.Glu295Asp). This variant is not present in population databases (gnomAD no frequency). This variant has not been reported in the literature in individuals affected with USH1C-related conditions. Algorithms developed to predict the effect of missense changes on protein structure and function (SIFT, PolyPhen-2, Align-GVGD) all suggest that this variant is likely to be tolerated. Algorithms developed to predict the effect of sequence changes on RNA splicing suggest that this variant may create or strengthen a splice site. In summary, the available evidence is currently insufficient to determine the role of this variant in disease. Therefore, it has been classified as a Variant of Uncertain Significance.